The following is an entry in ClinVar:

ClinVar aggregate classification (germline): Uncertain significance (1 of 4 stars; one submission).

Submission:

Labcorp Genetics (formerly Invitae), Labcorp
Classification: Uncertain significance. Last evaluated: 2025-01-30. Review status: criteria provided, single submitter. Criteria: Invitae Variant Classification Sherloc (09022015). Collection method: clinical testing. Allele origin: germline.
Comment: This sequence change replaces alanine, which is neutral and non-polar, with aspartic acid, which is acidic and polar, at codon 385 of the GABRA2 protein (p.Ala385Asp). This variant is not present in population databases (gnomAD no frequency). This variant has not been reported in the literature in individuals affected with GABRA2-related conditions. An algorithm developed to predict the effect of missense changes on protein structure and function (PolyPhen-2) suggests that this variant is likely to be tolerated. In summary, the available evidence is currently insufficient to determine the role of this variant in disease. Therefore, it has been classified as a Variant of Uncertain Significance.

NM_000807.4(GABRA2):c.1059+5646C>A

Gene: GABRA2 (gamma-aminobutyric acid type A receptor subunit alpha2; minus strand). Cytogenetic location: 4p12.
Variant type: single nucleotide variant.
Coding change: c.1059+5646C>A on transcript NM_000807.4 (MANE Select); 5646 bases into the intron after coding-DNA position 1059, C replaced by A.
Molecular consequence: intron variant. On other transcripts: missense variant (4).
Genome position (GRCh38, 1-based): chr4:46,256,280, G>T on the plus strand (C>A on the coding strand, the complement: GABRA2 is on the minus strand). VCF-style: chr4-46256280-G-T. GRCh37 (hg19) VCF-style: chr4-46258297-G-T.
Other names: c.989C>A, p.Ala330Asp (NM_001286827.3); c.1154C>A, p.Ala385Asp (NM_001330690.2, NM_001377144.1, NM_001377145.1); c.894+5646C>A (NM_001377154.1, NM_001377152.1, NM_001377153.1); c.1059+5646C>A (NM_001377146.1, NM_001377150.1, NM_001377147.1 and 4 more transcripts); short protein forms A330D, A385D.
Identifiers: ClinVar variation 3626473 (VCV003626473.2).
Genomic context (GRCh38, chr4:46,256,280, plus strand): 5'-TCCATCCACTTCTCTAAGTACTCTAAAGTCTTTTCTTGGAATAAACTGGGCCATGAGAAA[G>T]CTATATACTTGGACCATATTAGCTTAGCTCCTTGAAGAATTGCTTTCACTGAGTTGTATG-3'